The following is an entry in ClinVar:

ClinVar aggregate classification (germline): Uncertain significance (1 of 4 stars; one submission).

Conditions:
Multiple sulfatase deficiency (MSD). Also called: Multiple Sulfatase Deficiency Disease; Sulfatidosis, Juvenile, Austin Type; Mucosulfatidosis. Identifiers: Orphanet 585, MedGen C0268263, MONDO:0010088, OMIM 272200.

Submission:

Baylor Genetics
Classification: Uncertain significance for Multiple sulfatase deficiency. Last evaluated: 2019-08-30. Review status: criteria provided, single submitter. Criteria: ACMG Guidelines, 2015. Collection method: clinical testing. Allele origin: unknown. Affected: yes.
Comment: This variant was determined to be of uncertain significance according to ACMG Guidelines, 2015 [PMID:25741868].

NM_182760.4(SUMF1):c.571C>A (p.Pro191Thr)

Gene: SUMF1 (sulfatase modifying factor 1; minus strand). Cytogenetic location: 3p26.1.
Variant type: single nucleotide variant.
Coding change: c.571C>A on transcript NM_182760.4 (MANE Select); coding-DNA position 571, C replaced by A.
Protein change: p.Pro191Thr; replaces proline 191 with threonine.
Molecular consequence: missense variant.
Genome position (GRCh38, 1-based): chr3:4,420,095, G>T on the plus strand (C>A on the coding strand, the complement: SUMF1 is on the minus strand). VCF-style: chr3-4420095-G-T. GRCh37 (hg19) VCF-style: chr3-4461779-G-T.
Other names: c.496C>A, p.Pro166Thr (NM_001164674.2); c.571C>A, p.Pro191Thr (NM_001164675.2); short protein forms P191T, P166T.
Identifiers: ClinVar variation 1029321 (VCV001029321.1), dbSNP rs1701842186, ClinGen allele CA351632889.